The following is an entry in ClinVar:

ClinVar aggregate classification (germline): Pathogenic (1 of 4 stars; one submission).

Submission:

Labcorp Genetics (formerly Invitae), Labcorp
Classification: Pathogenic. Last evaluated: 2021-11-08. Review status: criteria provided, single submitter. Criteria: Invitae Variant Classification Sherloc (09022015). Collection method: clinical testing. Allele origin: germline.
Comment: For these reasons, this variant has been classified as Pathogenic. This variant has not been reported in the literature in individuals affected with SLC39A4-related conditions. This variant is not present in population databases (gnomAD no frequency). This sequence change creates a premature translational stop signal (p.Glu216*) in the SLC39A4 gene. It is expected to result in an absent or disrupted protein product. Loss-of-function variants in SLC39A4 are known to be pathogenic (PMID: 12955721).

Literature cited by the submitters: PubMed 12955721.

NM_130849.4(SLC39A4):c.646G>T (p.Glu216Ter)

Gene: SLC39A4 (solute carrier family 39 member 4; minus strand). Cytogenetic location: 8q24.3.
Variant type: single nucleotide variant.
Coding change: c.646G>T on transcript NM_130849.4 (MANE Select); coding-DNA position 646, G replaced by T.
Protein change: p.Glu216Ter; replaces glutamic acid 216 with a stop codon.
Molecular consequence: nonsense.
Genome position (GRCh38, 1-based): chr8:144,415,248, C>A on the plus strand (G>T on the coding strand, the complement: SLC39A4 is on the minus strand). VCF-style: chr8-144415248-C-A. GRCh37 (hg19) VCF-style: chr8-145640632-C-A.
Other names: c.364G>T, p.Glu122Ter (NM_001374839.1); c.571G>T, p.Glu191Ter (NM_017767.3); short protein forms E191*, E216*, E122*.
Identifiers: ClinVar variation 1373036 (VCV001373036.6), dbSNP rs200524049, ClinGen allele CA372624542.